The following is an entry in ClinVar:

NM_000553.6(WRN):c.3629C>T (p.Ala1210Val)

Gene: WRN (WRN RecQ like helicase; plus strand). Cytogenetic location: 8p12.
Variant type: single nucleotide variant.
Coding change: c.3629C>T on transcript NM_000553.6 (MANE Select); coding-DNA position 3629, C replaced by T.
Protein change: p.Ala1210Val; replaces alanine 1210 with valine.
Molecular consequence: missense variant.
Genome position (GRCh38, 1-based): chr8:31,150,397, C>T. VCF-style: chr8-31150397-C-T. GRCh37 (hg19) VCF-style: chr8-31007913-C-T.
Other names: short protein forms A1210V.
Identifiers: ClinVar variation 1049487 (VCV001049487.5), dbSNP rs2130454289, ClinGen allele CA370927761.
Genomic context (GRCh38, chr8:31,150,397, plus strand): 5'-ACAGACCAACTACGGTTGAAAACGTAAAAAGGATTGATGGTGTTTCTGAAGGCAAAGCTG[C>T]CATGTTGGCCCCTCTGTTGGAAGTCATCAAACATTTCTGCCAAACAAATAGTGTTCAGGT-3'
Protein context (NP_000544.2, residues 1200-1220): RIDGVSEGKA[Ala1210Val]MLAPLLEVIK

ClinVar aggregate classification (germline): Uncertain significance. Review status: criteria provided, single submitter (1 of 4 stars). 2 submissions from 2 submitters: Uncertain significance (1). 1 of the submissions does not count toward it. Last evaluated 2026-01-12.

Conditions:
Werner syndrome (WRN). Identifiers: Orphanet 902, MedGen C0043119, MONDO:0010196, OMIM 277700.

Submissions (2):

Labcorp Genetics (formerly Invitae), Labcorp
Classification: Uncertain significance for Werner syndrome. Last evaluated: 2026-01-12. Review status: criteria provided, single submitter. Criteria: Invitae Variant Classification Sherloc (09022015). Collection method: clinical testing. Allele origin: germline.
Comment: This sequence change replaces alanine, which is neutral and non-polar, with valine, which is neutral and non-polar, at codon 1210 of the WRN protein (p.Ala1210Val). This variant is not present in population databases (gnomAD no frequency). This variant has not been reported in the literature in individuals affected with WRN-related conditions. ClinVar contains an entry for this variant (Variation ID: 1049487). An algorithm developed to predict the effect of missense changes on protein structure and function outputs the following: PolyPhen-2: "Benign". The valine amino acid residue is found in multiple mammalian species, which suggests that this missense change does not adversely affect protein function. In summary, the available evidence is currently insufficient to determine the role of this variant in disease. Therefore, it has been classified as a Variant of Uncertain Significance.

Department of Pathology and Laboratory Medicine, Sinai Health System
Classification: Uncertain significance. Review status: no assertion criteria provided. Collection method: clinical testing. Allele origin: unknown. Affected: yes. Study: The Canadian Open Genetics Repository (COGR). Not counted in ClinVar's aggregate classification.
Comment: The WRN p.Ala1210Val variant was not identified in the literature nor was it identified in dbSNP, ClinVar, or LOVD 3.0, however the variant was identified in Cosmic (confirmed somatically in skin malignant melanoma with a FATHMM prediction score of 0.11, neutral). The variant was not identified in the following control databases: the 1000 Genomes Project, the NHLBI GO Exome Sequencing Project, the Exome Aggregation Consortium (August 8th 2016), or the Genome Aggregation Database (Feb 27, 2017).The p.Ala1210 residue is not conserved in mammals and computational analyses (PolyPhen-2, SIFT, AlignGVGD, BLOSUM, MutationTaster) do not suggest a high likelihood of impact to the protein; however, this information is not predictive enough to rule out pathogenicity. The variant occurs outside of the splicing consensus sequence and in silico or computational prediction software programs (SpliceSiteFinder, MaxEntScan, NNSPLICE, GeneSplicer) do not predict a difference in splicing. In summary, based on the above information the clinical significance of this variant cannot be determined with certainty at this time. This variant is classified as a variant of uncertain significance.